The following is an entry in ClinVar:

ClinVar aggregate classification (germline): Uncertain significance. Review status: criteria provided, multiple submitters, no conflicts (2 of 4 stars). 4 submissions from 4 submitters: Uncertain significance (3). 1 of the submissions does not count toward it. Last evaluated 2023-04-07.

Conditions:
Inborn genetic diseases. Identifiers: MedGen C0950123, MeSH D030342.
LRPPRC-related disorder. Also called: LRPPRC-related condition.
Congenital lactic acidosis, Saguenay-Lac-Saint-Jean type (MC4DN5). Also called: MITOCHONDRIAL COMPLEX IV DEFICIENCY, NUCLEAR TYPE 5; CYTOCHROME c OXIDASE DEFICIENCY, FRENCH CANADIAN TYPE; COX DEFICIENCY, FRENCH CANADIAN TYPE. Identifiers: Orphanet 70472, MedGen C1857355, MONDO:0009069, OMIM 220111.

gnomAD v4.1: 3 of 1,611,740 alleles (0.00019%); highest among the groups gnomAD compares: Admixed American, 0.0017%; no homozygotes.

Submissions (4):

PreventionGenetics, part of Exact Sciences
Classification: Uncertain significance for LRPPRC-related condition. Last evaluated: 2023-04-07. Review status: criteria provided, single submitter. Criteria: ACMG Guidelines, 2015. Collection method: clinical testing. Allele origin: germline.
Comment: The LRPPRC c.4078G>T variant is predicted to result in the amino acid substitution p.Ala1360Ser. To our knowledge, this variant has not been reported in the literature or in a large population database, indicating this variant is rare. An alternate variant at the same amino acid position has been reported in the compound heterozygous state in a patient with mild LRPPRC-related disease (p.Ala1360Thr; Han et al. 2017. PubMed ID: 29152527), and also in the heterozygous state in patients with hypertrophic cardiomyopathy (p.Ala1360Thr; Table S2; Chung et al. 2021. PubMed ID: 33658040). At this time, the clinical significance of the p.Ala1360Ser variant is uncertain due to the absence of conclusive functional and genetic evidence.

Baylor Genetics
Classification: Uncertain significance for Congenital lactic acidosis, Saguenay-Lac-Saint-Jean type. Last evaluated: 2019-07-12. Review status: criteria provided, single submitter. Criteria: ACMG Guidelines, 2015. Collection method: clinical testing. Allele origin: unknown. Affected: yes.
Comment: This variant was determined to be of uncertain significance according to ACMG Guidelines, 2015 [PMID:25741868].

Ambry Genetics
Classification: Uncertain significance for Inborn genetic diseases. Last evaluated: 2019-03-04. Review status: criteria provided, single submitter. Criteria: Ambry exome assertion method (8-5-2015). Collection method: clinical testing. Allele origin: germline. Affected: yes. Observed: 1 variant allele.

Natera, Inc.
Classification: Uncertain significance for French-Canadian type Leigh syndrome. Last evaluated: 2021-09-21. Review status: no assertion criteria provided. Collection method: clinical testing. Allele origin: germline. Not counted in ClinVar's aggregate classification.

NM_133259.4(LRPPRC):c.4078G>T (p.Ala1360Ser)

Gene: LRPPRC (leucine rich pentatricopeptide repeat containing; minus strand). Cytogenetic location: 2p21.
Variant type: single nucleotide variant.
Coding change: c.4078G>T on transcript NM_133259.4 (MANE Select); coding-DNA position 4078, G replaced by T.
Protein change: p.Ala1360Ser; replaces alanine 1360 with serine.
Molecular consequence: missense variant.
Genome position (GRCh38, 1-based): chr2:43,889,784, C>A on the plus strand (G>T on the coding strand, the complement: LRPPRC is on the minus strand). VCF-style: chr2-43889784-C-A. GRCh37 (hg19) VCF-style: chr2-44116923-C-A.
Other names: short protein forms A1360S.
Identifiers: ClinVar variation 985865 (VCV000985865.9), dbSNP rs147302249, ClinGen allele CA346672947.
Genomic context (GRCh38, chr2:43,889,784, plus strand): 5'-AAATACTCACAGGGGGTTCAATGAAAGGGACAGGCTCTCCAGCATACTTCAGCAAAGATG[C>A]GTAACGCTTTAGAAACAGATCATCCAATTTTGTATTCTTTGCAGTCAAATGTTCATACAG-3'
Protein context (NP_573566.2, residues 1350-1370): KLDDLFLKRY[Ala1360Ser]SLLKYAGEPV